The following is an entry in ClinVar:

ClinVar aggregate classification (germline): Uncertain significance (1 of 4 stars; one submission).

Conditions:
Familial hemiplegic migraine. Identifiers: MedGen C0338484, MONDO:0000700.

Submission:

Labcorp Genetics (formerly Invitae), Labcorp
Classification: Uncertain significance for Familial hemiplegic migraine. Last evaluated: 2022-09-27. Review status: criteria provided, single submitter. Criteria: Invitae Variant Classification Sherloc (09022015). Collection method: clinical testing. Allele origin: germline.
Comment: Algorithms developed to predict the effect of missense changes on protein structure and function (SIFT, PolyPhen-2, Align-GVGD) all suggest that this variant is likely to be disruptive. In summary, the available evidence is currently insufficient to determine the role of this variant in disease. Therefore, it has been classified as a Variant of Uncertain Significance. This sequence change replaces alanine, which is neutral and non-polar, with aspartic acid, which is acidic and polar, at codon 974 of the ATP1A2 protein (p.Ala974Asp). This variant is not present in population databases (gnomAD no frequency). This variant has not been reported in the literature in individuals affected with ATP1A2-related conditions.

NM_000702.4(ATP1A2):c.2921C>A (p.Ala974Asp)

Gene: ATP1A2 (ATPase Na+/K+ transporting subunit alpha 2; plus strand). Cytogenetic location: 1q23.2.
Variant type: single nucleotide variant.
Coding change: c.2921C>A on transcript NM_000702.4 (MANE Select); coding-DNA position 2921, C replaced by A.
Protein change: p.Ala974Asp; replaces alanine 974 with aspartic acid.
Molecular consequence: missense variant.
Genome position (GRCh38, 1-based): chr1:160,139,720, C>A. VCF-style: chr1-160139720-C-A. GRCh37 (hg19) VCF-style: chr1-160109510-C-A.
Other names: short protein forms A974D.
Identifiers: ClinVar variation 1717101 (VCV001717101.5), dbSNP rs2524898413, ClinGen allele CA343255590.